The following is an entry in ClinVar:

ClinVar aggregate classification (germline): Likely benign. Review status: criteria provided, multiple submitters, no conflicts (2 of 4 stars). 2 submissions from 2 submitters: Likely benign (2). Last evaluated 2024-01-24.

Allele frequency attached by ClinVar (database versions not stated): 1000 Genomes Project 30x 0.00016.
gnomAD v4.1: 85 of 1,610,960 alleles (0.0053%); highest among the groups gnomAD compares: Non-Finnish European, 0.0069%; no homozygotes.

Submissions (2):

Labcorp Genetics (formerly Invitae), Labcorp
Classification: Likely benign. Last evaluated: 2024-01-24. Review status: criteria provided, single submitter. Criteria: Invitae Variant Classification Sherloc (09022015). Collection method: clinical testing. Allele origin: germline.

GeneDx
Classification: Likely benign. Last evaluated: 2016-11-15. Review status: criteria provided, single submitter. Criteria: GeneDx Variant Classification (06012015). Collection method: clinical testing. Allele origin: germline. Affected: yes.
Comment: This variant is considered likely benign or benign based on one or more of the following criteria: it is a conservative change, it occurs at a poorly conserved position in the protein, it is predicted to be benign by multiple in silico algorithms, and/or has population frequency not consistent with disease.

NM_133259.4(LRPPRC):c.1677+11C>T

Gene: LRPPRC (leucine rich pentatricopeptide repeat containing; minus strand). Cytogenetic location: 2p21.
Variant type: single nucleotide variant.
Coding change: c.1677+11C>T on transcript NM_133259.4 (MANE Select); 11 bases into the intron after coding-DNA position 1677, C replaced by T.
Molecular consequence: intron variant.
Genome position (GRCh38, 1-based): chr2:43,950,562, G>A on the plus strand (C>T on the coding strand, the complement: LRPPRC is on the minus strand). VCF-style: chr2-43950562-G-A. GRCh37 (hg19) VCF-style: chr2-44177701-G-A.
Identifiers: ClinVar variation 390701 (VCV000390701.6), dbSNP rs58811869, ClinGen allele CA1638838.